The following is an entry in ClinVar:

NR_003051.4(RMRP):n.196dup

Gene: RMRP (RNA component of mitochondrial RNA processing endoribonuclease; minus strand). Cytogenetic location: 9p13.3.
Variant type: Duplication.
Genome position: GRCh38 VCF-style: chr9-35657823-G-GA. GRCh37 (hg19) VCF-style: chr9-35657820-G-GA.
Identifiers: ClinVar variation 14223 (VCV000014223.13), dbSNP rs796065036, ClinGen allele CA257187.

ClinVar aggregate classification (germline): Pathogenic/Likely pathogenic. Review status: criteria provided, multiple submitters, no conflicts (2 of 4 stars). 5 submissions from 5 submitters: Pathogenic (2); Likely pathogenic (1). 2 of the submissions do not count toward it. Last evaluated 2025-08-25.

Conditions:
RMRP-related disorder. Also called: RMRP-related condition.
Anauxetic dysplasia. Identifiers: Orphanet 93347, MedGen C1846796, MONDO:0011773.
Metaphyseal chondrodysplasia, McKusick type (CHH). Also called: Cartilage-Hair Hypoplasia (CHH); Cartilage-hair hypoplasia. Identifiers: Orphanet 175, MedGen C0220748, MONDO:0009595, OMIM 250250.

Allele frequency attached by ClinVar (database versions not stated): gnomAD exomes below 0.00001; TOPMed 0.00002; gnomAD 0.00004.

Submissions (5):

PreventionGenetics, part of Exact Sciences
Classification: Pathogenic for RMRP-related condition. Last evaluated: 2025-08-25. Review status: criteria provided, single submitter. Criteria: ACMG Guidelines, 2015. Collection method: clinical testing. Allele origin: germline.
Comment: The RMRP n.195dupT variant is predicted to result in an in-frame duplication (Non-Coding). This variant has been reported as pathogenic for RMRP-related disorders (described as insT195 in Kuijpers et al. 2003. PubMed ID: 14569125; Table S5 in Hermanns et al. 2006. PubMed ID: 16838329). This variant has not been reported in a large population database (gnomAD), indicating this variant is rare. This variant is interpreted as pathogenic.

Labcorp Genetics (formerly Invitae), Labcorp
Classification: Pathogenic for Anauxetic dysplasia. Last evaluated: 2025-07-21. Review status: criteria provided, single submitter. Criteria: Invitae Variant Classification Sherloc (09022015). Collection method: clinical testing. Allele origin: germline.
Comment: This variant occurs in the RMRP gene, which encodes an RNA molecule that does not result in a protein product. This variant is not present in population databases (gnomAD no frequency). This variant has been observed in individual(s) with clinical features of cartilage-hair hypoplasia-anauxetic dysplasia (CHH-AD) spectrum disorders (PMID: 14569125, 16838329; internal data). In at least one individual the data is consistent with being in trans (on the opposite chromosome) from a pathogenic variant. ClinVar contains an entry for this variant (Variation ID: 14223). For these reasons, this variant has been classified as Pathogenic.

Blueprint Genetics
Classification: Likely pathogenic for RMRP-related disorders. Last evaluated: 2022-11-02. Review status: criteria provided, single submitter. Criteria: ACMG Guidelines, 2015. Collection method: clinical testing. Allele origin: germline. Affected: yes. Observed: 1 variant allele.

Natera, Inc.
Classification: Uncertain significance for Cartilage-hair hypoplasia. Last evaluated: 2021-05-10. Review status: no assertion criteria provided. Collection method: clinical testing. Allele origin: germline. Not counted in ClinVar's aggregate classification.

OMIM
Classification: Pathogenic for CARTILAGE-HAIR HYPOPLASIA. Last evaluated: 2003-10-01. Review status: no assertion criteria provided. Collection method: literature only. Allele origin: germline. Not counted in ClinVar's aggregate classification.

Literature cited by the submitters: PubMed 14569125 (cited by Labcorp Genetics (formerly Invitae), Labcorp and OMIM); PubMed 16838329 (cited by Labcorp Genetics (formerly Invitae), Labcorp).